The following is an entry in ClinVar:

NM_016356.5(DCDC2):c.294-21GTTT[2]

Gene: DCDC2 (doublecortin domain containing 2; minus strand). Cytogenetic location: 6p22.3.
Variant type: Microsatellite.
Coding change: c.294-21GTTT[2] on transcript NM_016356.5 (MANE Select); two copies in a row of the 4-base unit GTTT starting at c.294-21; the reference has three copies in a row; one copy, 4 bases deleted.
Molecular consequence: intron variant.
Genome position (GRCh38, 1-based): chr6:24,353,633-24,353,636, AAAC deleted on the plus strand (GTTT on the coding strand, the reverse complement: DCDC2 is on the minus strand); deleting any 4 consecutive bases within chr6:24,353,633-24,353,646 gives the same sequence; the position shown is the placement nearest the transcript's 3' end. VCF-style (leftmost placement, unchanged base first): chr6-24353632-AAAAC-A. GRCh37 (hg19) VCF-style: chr6-24353860-AAAAC-A.
Other names: p.?; c.294-13_294-10delGTTT (NM_016356.4); c.294-21GTTT[2] (NM_001195610.2); c.294-13_294-10del (NM_016356.5).
Identifiers: ClinVar variation 466324 (VCV000466324.13), dbSNP rs374485384, ClinGen allele CA3654825.
Genomic context (GRCh38, chr6:24,353,632, plus strand): 5'-TGTATTAACAACTTCCATTGGTCTTTTCTTGATTTCTCCTATGTCCAAGTAACTGAGGAA[AAAAC>A]AAACAAACAATAAGAGTTGCTTTTATAGACTTTAAGTCAGTAATTTATTTTTAAAAATCA-3'

ClinVar aggregate classification (germline): Benign/Likely benign. Review status: criteria provided, multiple submitters, no conflicts (2 of 4 stars). 5 submissions from 5 submitters: Benign (4); Likely benign (1). Last evaluated 2026-02-01.

Conditions:
Isolated neonatal sclerosing cholangitis (NSC). Also called: Sclerosing cholangitis, neonatal. Identifiers: Orphanet 480556, MedGen C4479344, MONDO:0018816, OMIM 617394.
Autosomal recessive nonsyndromic hearing loss 66 (DFNB66). Also called: Deafness, autosomal recessive 66. Identifiers: Orphanet 90636, MedGen C1857750, MONDO:0012442, OMIM 610212.

Submissions (5):

Labcorp Genetics (formerly Invitae), Labcorp
Classification: Benign for Autosomal recessive nonsyndromic hearing loss 66; Isolated neonatal sclerosing cholangitis. Last evaluated: 2026-02-01. Review status: criteria provided, single submitter. Criteria: Invitae Variant Classification Sherloc (09022015). Collection method: clinical testing. Allele origin: germline.

Blueprint Genetics
Classification: Likely benign. Last evaluated: 2024-11-26. Review status: criteria provided, single submitter. Criteria: ACMG Guidelines, 2015. Collection method: clinical testing. Allele origin: germline.

Mayo Clinic Laboratories, Mayo Clinic
Classification: Benign. Last evaluated: 2022-11-17. Review status: criteria provided, single submitter. Criteria: ACMG Guidelines, 2015. Collection method: clinical testing. Allele origin: germline. Observed: 31 variant alleles.
Comment: BS1, BS2, BP4, BP7

Athena Diagnostics
Classification: Benign. Last evaluated: 2018-11-19. Review status: criteria provided, single submitter. Criteria: Athena Diagnostics Criteria. Collection method: clinical testing. Allele origin: germline.

GeneDx
Classification: Benign. Last evaluated: 2018-01-31. Review status: criteria provided, single submitter. Criteria: GeneDx Variant Classification (06012015). Collection method: clinical testing. Allele origin: germline. Affected: yes.
Comment: This variant is considered likely benign or benign based on one or more of the following criteria: it is a conservative change, it occurs at a poorly conserved position in the protein, it is predicted to be benign by multiple in silico algorithms, and/or has population frequency not consistent with disease.